The following is an entry in ClinVar:

NM_004589.4(SCO1):c.550G>A (p.Val184Met)

Gene: SCO1 (synthesis of cytochrome C oxidase 1; minus strand). Cytogenetic location: 17p13.1.
Variant type: single nucleotide variant.
Coding change: c.550G>A on transcript NM_004589.4 (MANE Select); coding-DNA position 550, G replaced by A.
Protein change: p.Val184Met; replaces valine 184 with methionine.
Molecular consequence: missense variant.
Genome position (GRCh38, 1-based): chr17:10,692,776, C>T on the plus strand (G>A on the coding strand, the complement: SCO1 is on the minus strand). VCF-style: chr17-10692776-C-T. GRCh37 (hg19) VCF-style: chr17-10596093-C-T.
Other names: c.550G>A (NM_004589.2); short protein forms V184M.
Identifiers: ClinVar variation 1985108 (VCV001985108.3), dbSNP rs147039721, ClinGen allele CA8393584.

ClinVar aggregate classification (germline): Uncertain significance. Review status: criteria provided, multiple submitters, no conflicts (2 of 4 stars). 3 submissions from 3 submitters: Uncertain significance (3). Last evaluated 2024-05-24.

Conditions:
Mitochondrial complex IV deficiency, nuclear type 4. Also called: Mitochondrial complex 4 deficiency, nuclear type 4. Identifiers: MedGen C5436683, MONDO:0033636, OMIM 619048.

Allele frequency attached by ClinVar (database versions not stated): ExAC 0.00006; gnomAD 0.00011; TOPMed 0.00013; ESP Exome Variant Server 0.00023; 1000 Genomes Project 30x 0.00031; 1000 Genomes Project 0.00040.
gnomAD v4.1: 41 of 1,613,838 alleles (0.0025%); highest among the groups gnomAD compares: African/African-American, 0.027%; no homozygotes.

Submissions (3):

Fulgent Genetics
Classification: Uncertain significance for Mitochondrial complex IV deficiency, nuclear type 4. Last evaluated: 2024-05-24. Review status: criteria provided, single submitter. Criteria: ACMG Guidelines, 2015. Collection method: clinical testing. Allele origin: germline.

GeneDx
Classification: Uncertain significance. Last evaluated: 2022-09-26. Review status: criteria provided, single submitter. Criteria: GeneDx Variant Classification Process June 2021. Collection method: clinical testing. Allele origin: germline. Affected: yes.
Comment: In silico analysis supports that this missense variant has a deleterious effect on protein structure/function; Has not been previously published as pathogenic or benign to our knowledge

Labcorp Genetics (formerly Invitae), Labcorp
Classification: Uncertain significance. Last evaluated: 2022-05-25. Review status: criteria provided, single submitter. Criteria: Invitae Variant Classification Sherloc (09022015). Collection method: clinical testing. Allele origin: germline.
Comment: This sequence change replaces valine, which is neutral and non-polar, with methionine, which is neutral and non-polar, at codon 184 of the SCO1 protein (p.Val184Met). This variant is present in population databases (rs147039721, gnomAD 0.03%). This variant has not been reported in the literature in individuals affected with SCO1-related conditions. Algorithms developed to predict the effect of missense changes on protein structure and function are either unavailable or do not agree on the potential impact of this missense change (SIFT: "Deleterious"; PolyPhen-2: "Probably Damaging"; Align-GVGD: "Class C0"). In summary, the available evidence is currently insufficient to determine the role of this variant in disease. Therefore, it has been classified as a Variant of Uncertain Significance.